The following is an entry in ClinVar:

NM_006389.5(HYOU1):c.253G>A (p.Ala85Thr)

Gene: HYOU1 (hypoxia up-regulated 1; minus strand). Cytogenetic location: 11q23.3.
Variant type: single nucleotide variant.
Coding change: c.253G>A on transcript NM_006389.5 (MANE Select); coding-DNA position 253, G replaced by A.
Protein change: p.Ala85Thr; replaces alanine 85 with threonine.
Molecular consequence: missense variant.
Genome position (GRCh38, 1-based): chr11:119,055,504, C>T on the plus strand (G>A on the coding strand, the complement: HYOU1 is on the minus strand). VCF-style: chr11-119055504-C-T. GRCh37 (hg19) VCF-style: chr11-118926216-C-T.
Other names: c.253G>A, p.Ala85Thr (NM_001130991.3, NM_001411041.1); short protein forms A85T.
Identifiers: ClinVar variation 2787571 (VCV002787571.3), dbSNP rs142522320, ClinGen allele CA229649221.

ClinVar aggregate classification (germline): Uncertain significance (1 of 4 stars; one submission).

Allele frequency attached by ClinVar (database versions not stated): TOPMed below 0.00001.

Submission:

Labcorp Genetics (formerly Invitae), Labcorp
Classification: Uncertain significance. Last evaluated: 2023-03-14. Review status: criteria provided, single submitter. Criteria: Invitae Variant Classification Sherloc (09022015). Collection method: clinical testing. Allele origin: germline.
Comment: In summary, the available evidence is currently insufficient to determine the role of this variant in disease. Therefore, it has been classified as a Variant of Uncertain Significance. An algorithm developed to predict the effect of missense changes on protein structure and function (PolyPhen-2) suggests that this variant is likely to be disruptive. This variant has not been reported in the literature in individuals affected with HYOU1-related conditions. This variant is present in population databases (rs142522320, gnomAD 0.0009%). This sequence change replaces alanine, which is neutral and non-polar, with threonine, which is neutral and polar, at codon 85 of the HYOU1 protein (p.Ala85Thr).